The following is an entry in ClinVar:

NM_031885.5(BBS2):c.404T>A (p.Leu135His)

Gene: BBS2 (Bardet-Biedl syndrome 2; minus strand). Cytogenetic location: 16q13.
Variant type: single nucleotide variant.
Coding change: c.404T>A on transcript NM_031885.5 (MANE Select); coding-DNA position 404, T replaced by A.
Protein change: p.Leu135His; replaces leucine 135 with histidine.
Molecular consequence: missense variant. On other transcripts: non-coding transcript variant (5).
Genome position (GRCh38, 1-based): chr16:56,511,226, A>T on the plus strand (T>A on the coding strand, the complement: BBS2 is on the minus strand). VCF-style: chr16-56511226-A-T. GRCh37 (hg19) VCF-style: chr16-56545138-A-T.
Other names: c.404T>A, p.Leu135His (NM_001377456.1); short protein forms L135H.
Identifiers: ClinVar variation 1687170 (VCV001687170.1), dbSNP rs2144181822, ClinGen allele CA395984438.
Genomic context (GRCh38, chr16:56,511,226, plus strand): 5'-AAGAGATCACTTCCTTCATGATTGAAACCTTGCAGAGCACAATTGCCACCAATAATCGCA[A>T]GAGGGGAAGAAATGTCTCCCAATGTCCCCAGCACAATTGCATTTGCCCCATCTGCTACCT-3'
Protein context (NP_114091.4, residues 125-145): LGTLGDISSP[Leu135His]AIIGGNCALQ

ClinVar aggregate classification (germline): Uncertain significance (1 of 4 stars; one submission).

Conditions:
Bardet-Biedl syndrome 2 (BBS2). Identifiers: Orphanet 110, MedGen C2936863, MONDO:0014432, OMIM 615981.

Submission:

3billion
Classification: Uncertain significance for Bardet-Biedl syndrome 2. Last evaluated: 2022-05-22. Review status: criteria provided, single submitter. Criteria: ACMG Guidelines, 2015. Collection method: clinical testing. Allele origin: germline. Affected: yes. Observed: 1 homozygote.
Comment: The variant is not observed in the gnomAD v2.1.1 dataset. Protein truncation variants are a common disease-causing mechanism. However, two homozygous missense variants in the same domain (N-terminal-propeller) were identified in BBS2 related disorders which may indicate possible pathogenicity of missense variants in. BBS2. (Clinvar ID: VCV000004584, VCV000209043). In silico tool predictions suggest damaging effect of the variant on gene or gene product (REVEL: 0.94; 3Cnet: 3CNET). Therefore, this variant is classified as uncertain significanceaccording to the recommendation of ACMG/AMP guideline.